The following is an entry in ClinVar:

NM_020975.6(RET):c.3069A>T (p.Pro1023=)

Gene: RET (ret proto-oncogene; plus strand). Cytogenetic location: 10q11.21.
Variant type: single nucleotide variant.
Coding change: c.3069A>T on transcript NM_020975.6 (MANE Select); coding-DNA position 3069, A replaced by T.
Protein change: p.Pro1023=; no amino-acid change (proline 1023 retained).
Molecular consequence: synonymous variant.
Genome position (GRCh38, 1-based): chr10:43,126,604, A>T. VCF-style: chr10-43126604-A-T. GRCh37 (hg19) VCF-style: chr10-43622052-A-T.
Other names: c.3069A>T, p.Pro1023= (NM_000323.2, NM_001406743.1, NM_001406744.1 and 4 more transcripts); c.2307A>T, p.Pro769= (NM_001355216.2); c.2940A>T, p.Pro980= (NM_001406761.1, NM_001406762.1, NM_001406764.1); c.2934A>T, p.Pro978= (NM_001406763.1, NM_001406765.1); c.2781A>T, p.Pro927= (NM_001406766.1, NM_001406767.1, NM_001406770.1); c.2805A>T, p.Pro935= (NM_001406768.1); c.2673A>T, p.Pro891= (NM_001406769.1, NM_001406772.1); c.2631A>T, p.Pro877= (NM_001406771.1, NM_001406773.1); and 10 more.
Identifiers: ClinVar variation 1111801 (VCV001111801.13), dbSNP rs1588880984, ClinGen allele CA469032378.
Genomic context (GRCh38, chr10:43,126,604, plus strand): 5'-CTTGGAGTGACCGGCCATCTCTGTCTTCCAGGACTACTTGGACCTTGCGGCGTCCACTCC[A>T]TCTGACTCCCTGATTTATGACGACGGCCTCTCAGAGGAGGAGACACCGCTGGTGGACTGT-3'
Protein context (NP_066124.1, residues 1013-1033): RDYLDLAAST[Pro1023=]SDSLIYDDGL

ClinVar aggregate classification (germline): Likely benign. Review status: criteria provided, multiple submitters, no conflicts (2 of 4 stars). 3 submissions from 3 submitters: Likely benign (3). Last evaluated 2024-09-22.

Conditions:
Hereditary cancer-predisposing syndrome. Also called: Tumor predisposition; Hereditary Cancer Syndrome; Neoplastic Syndromes, Hereditary; Hereditary neoplastic syndrome. Identifiers: Orphanet 140162, MedGen C0027672, MeSH D009386, MONDO:0015356.
Multiple endocrine neoplasia, type 2 (MEN2). Identifiers: Orphanet 653, MedGen C4048306, MONDO:0019003. Disease mechanism: gain of function.

gnomAD v4.1: 1 of 1,614,164 alleles (0.000062%); highest among the groups gnomAD compares: Non-Finnish European, 0.000085%; no homozygotes.

Submissions (3):

Labcorp Genetics (formerly Invitae), Labcorp
Classification: Likely benign for Multiple endocrine neoplasia, type 2. Last evaluated: 2024-09-22. Review status: criteria provided, single submitter. Criteria: Invitae Variant Classification Sherloc (09022015). Collection method: clinical testing. Allele origin: germline.

All of Us Research Program, National Institutes of Health
Classification: Likely benign for Multiple endocrine neoplasia, type 2. Last evaluated: 2023-12-13. Review status: criteria provided, single submitter. Criteria: ACMG Guidelines, 2015. Collection method: clinical testing. Allele origin: germline. Inheritance: Autosomal dominant inheritance. Observed: 2 variant alleles, 2 heterozygotes.
Comment: This study involves interpretation of variants in research participants for the purpose of population health screening. Participant phenotype was not available at the time of variant classification. Additional details can be found in publication PMID: 35346344, PMCID: PMC8962531

Ambry Genetics
Classification: Likely benign for Hereditary cancer-predisposing syndrome. Last evaluated: 2023-10-02. Review status: criteria provided, single submitter. Criteria: Ambry Variant Classification Scheme 2023. Collection method: clinical testing. Allele origin: germline.